The following is an entry in ClinVar:

ClinVar aggregate classification (germline): Uncertain significance (1 of 4 stars; one submission).

Conditions:
Multiple gastrointestinal atresias. Also called: FAMILIAL INTESTINAL POLYATRESIA SYNDROME; Multiple intestinal atresia. Identifiers: Orphanet 2300, MedGen C0220744, MONDO:0009465.

Submission:

Labcorp Genetics (formerly Invitae), Labcorp
Classification: Uncertain significance for Multiple gastrointestinal atresias. Last evaluated: 2021-12-12. Review status: criteria provided, single submitter. Criteria: Invitae Variant Classification Sherloc (09022015). Collection method: clinical testing. Allele origin: germline.
Comment: This variant is not present in population databases (gnomAD no frequency). This sequence change replaces histidine, which is basic and polar, with asparagine, which is neutral and polar, at codon 584 of the TTC7A protein (p.His584Asn). This variant has not been reported in the literature in individuals affected with TTC7A-related conditions. In summary, the available evidence is currently insufficient to determine the role of this variant in disease. Therefore, it has been classified as a Variant of Uncertain Significance. Algorithms developed to predict the effect of missense changes on protein structure and function (SIFT, PolyPhen-2, Align-GVGD) all suggest that this variant is likely to be tolerated.

NM_020458.4(TTC7A):c.1750C>A (p.His584Asn)

Gene: TTC7A (tetratricopeptide repeat domain 7A; plus strand). Cytogenetic location: 2p21.
Variant type: single nucleotide variant.
Coding change: c.1750C>A on transcript NM_020458.4 (MANE Select); coding-DNA position 1750, C replaced by A.
Protein change: p.His584Asn; replaces histidine 584 with asparagine.
Molecular consequence: missense variant.
Genome position (GRCh38, 1-based): chr2:47,029,332, C>A. VCF-style: chr2-47029332-C-A. GRCh37 (hg19) VCF-style: chr2-47256471-C-A.
Other names: c.1750C>A, p.His584Asn (NM_001288951.2); c.1648C>A, p.His550Asn (NM_001288953.2); c.688C>A, p.His230Asn (NM_001288955.2); short protein forms H584N, H230N, H550N.
Identifiers: ClinVar variation 2040623 (VCV002040623.4), dbSNP rs1465187284, ClinGen allele CA346717626.